The following is an entry in ClinVar:

NM_020232.5(PSMG2):c.57+29C>T

Gene: PSMG2 (proteasome assembly chaperone 2; plus strand). Cytogenetic location: 18p11.21.
Variant type: single nucleotide variant.
Coding change: c.57+29C>T on transcript NM_020232.5 (MANE Select); 29 bases into the intron after coding-DNA position 57, C replaced by T.
Molecular consequence: intron variant.
Genome position (GRCh38, 1-based): chr18:12,703,193, C>T. VCF-style: chr18-12703193-C-T. GRCh37 (hg19) VCF-style: chr18-12703192-C-T.
Other names: c.-36-3357C>T (NM_147163.2).
Identifiers: ClinVar variation 2688103 (VCV002688103.2), dbSNP rs3809919, ClinGen allele CA8898284.
Genomic context (GRCh38, chr18:12,703,193, plus strand): 5'-CCCCCGACCTTGCCGGCTTCACCCTCCTAATGGTGAGTCTCCATTTGCGCTCGGGGCTGC[C>T]GCCTCCCGAGGCCCCTGCGGTGTCGCCACCCCGACGCGGGGTGTTTGGCGGTGCCTTGGG-3'

ClinVar aggregate classification (germline): Benign (1 of 4 stars; one submission).

Allele frequency attached by ClinVar (database versions not stated): 1000 Genomes Project 30x 0.30044; 1000 Genomes Project 0.30511; TOPMed 0.38097; gnomAD 0.39043; ESP Exome Variant Server 0.41560; ExAC 0.46509.
gnomAD v4.1: 673,133 of 1,588,906 alleles (42%); highest among the groups gnomAD compares: Non-Finnish European, 45%; 146,602 homozygotes.

Submission:

Unidad de Genómica Garrahan, Hospital de Pediatría Garrahan
Classification: Benign. Last evaluated: 2024-01-24. Review status: criteria provided, single submitter. Criteria: ACMG Guidelines, 2015. Collection method: clinical testing. Allele origin: germline. Affected: no. Observed: 51 variant alleles.
Comment: This variant is classified as Benign based on local population frequency. This variant was detected in 54% of patients studied by a panel of primary immunodeficiencies. Number of patients: 51. Only high quality variants are reported.